The following is an entry in ClinVar:

ClinVar aggregate classification (germline): Pathogenic (1 of 4 stars; one submission).

Conditions:
Hereditary spastic paraplegia 15 (SPG15). Also called: SPASTIC PARAPLEGIA 15, AUTOSOMAL RECESSIVE; KJELLIN SYNDROME; SPASTIC PARAPLEGIA AND RETINAL DEGENERATION. Identifiers: Orphanet 100996, MedGen C1849128, MONDO:0010044, OMIM 270700.

Submission:

Myriad Genetics, Inc.
Classification: Pathogenic for Hereditary spastic paraplegia 15. Last evaluated: 2023-09-17. Review status: criteria provided, single submitter. Criteria: Myriad Autosomal Dominant, Autosomal Recessive and X-Linked Classification Criteria (2023). Collection method: clinical testing. Allele origin: unknown.
Comment: NM_015346.3(ZFYVE26):c.6495_6496delCT(F2165Lfs*6) is expected to be pathogenic in the context of spastic paraplegia type 15. This variant is predicted to lead to an abnormal or absent protein product due to the creation of a premature termination codon in ZFYVE26, a gene where loss-of-function variants are known to be pathogenic. Please note: this variant was assessed in the context of healthy population screening.

NM_015346.4(ZFYVE26):c.6495_6496del (p.Phe2165fs)

Gene: ZFYVE26 (zinc finger FYVE-type containing 26; minus strand). Cytogenetic location: 14q24.1.
Variant type: Deletion.
Coding change: c.6495_6496del on transcript NM_015346.4 (MANE Select); coding-DNA positions 6495 to 6496, 2 bases deleted (CT; older notation c.6495_6496delCT).
Protein change: p.Phe2165fs; shifts the reading frame from phenylalanine 2165.
Molecular consequence: frameshift variant.
Genome position (GRCh38, 1-based): chr14:67,761,458-67,761,459, AG deleted on the plus strand (CT on the coding strand, the reverse complement: ZFYVE26 is on the minus strand); deleting any 2 consecutive bases within chr14:67,761,458-67,761,460 gives the same sequence; the c. name uses the placement nearest the transcript's 3' end. VCF-style (leftmost placement, unchanged base first): chr14-67761457-TAG-T. GRCh37 (hg19) VCF-style: chr14-68228174-TAG-T.
Other names: short protein forms F2165fs.
Identifiers: ClinVar variation 5011687 (VCV005011687.1).